The following is an entry in ClinVar:

NM_000400.4(ERCC2):c.1039C>T (p.Gln347Ter)

Gene: ERCC2 (ERCC excision repair 2, TFIIH core complex helicase subunit; minus strand). Cytogenetic location: 19q13.32.
Variant type: single nucleotide variant.
Coding change: c.1039C>T on transcript NM_000400.4 (MANE Select); coding-DNA position 1039, C replaced by T.
Protein change: p.Gln347Ter; replaces glutamine 347 with a stop codon.
Molecular consequence: nonsense. On other transcripts: non-coding transcript variant (3).
Genome position (GRCh38, 1-based): chr19:45,363,822, G>A on the plus strand (C>T on the coding strand, the complement: ERCC2 is on the minus strand). VCF-style: chr19-45363822-G-A. GRCh37 (hg19) VCF-style: chr19-45867080-G-A.
Other names: c.967C>T, p.Gln323Ter (NM_001130867.2, NM_001440355.1); c.961C>T, p.Gln321Ter (NM_001440356.1); c.916C>T, p.Gln306Ter (NM_001440357.1); short protein forms Q306*, Q321*, Q323*, Q347*.
Identifiers: ClinVar variation 5013734 (VCV005013734.1).
Genomic context (GRCh38, chr19:45,363,822, plus strand): 5'-TGCACACGCGCTGGGCCAGGCCGCTCAGGAAGGCGGGCGGGCTCTCCTGCACCACATGCT[G>A]CACACGCAGCCGCCACTTCACGTACTCCAGCAGCCGCCTCAGGAAGCCCAGGAAATGCTC-3'

ClinVar aggregate classification (germline): Pathogenic (1 of 4 stars; one submission).

Conditions:
ERCC2-related disorder. Also called: ERCC2-related conditions; ERCC2-related condition; ERCC2-related disorders. Identifiers: MedGen CN239291.

gnomAD v4.1: 10 of 1,540,858 alleles (0.00065%); highest among the groups gnomAD compares: Non-Finnish European, 0.00087%; no homozygotes.

Submission:

Myriad Genetics, Inc.
Classification: Pathogenic for ERCC2-related disorder. Last evaluated: 2024-11-11. Review status: criteria provided, single submitter. Criteria: Myriad Autosomal Dominant, Autosomal Recessive and X-Linked Classification Criteria (2023). Collection method: clinical testing. Allele origin: unknown.
Comment: NM_000400.3(ERCC2):c.1039C>T(Q347*) is expected to be pathogenic in the context of ERCC2-related disorders. This variant is predicted to lead to an abnormal or absent protein product due to the creation of a premature termination codon in ERCC2, a gene where loss-of-function variants are known to be pathogenic. Please note: this variant was assessed in the context of healthy population screening.